The following is an entry in ClinVar:

ClinVar aggregate classification (germline): Uncertain significance. Review status: criteria provided, multiple submitters, no conflicts (2 of 4 stars). 2 submissions from 2 submitters: Uncertain significance (2). Last evaluated 2023-03-29.

Conditions:
Inborn genetic diseases. Identifiers: MedGen C0950123, MeSH D030342.

Allele frequency attached by ClinVar (database versions not stated): gnomAD exomes below 0.00001; TOPMed below 0.00001; gnomAD 0.00001.
gnomAD v4.1: 2 of 1,613,692 alleles (0.00012%); highest among the groups gnomAD compares: Non-Finnish European, 0.00017%; no homozygotes.

Submissions (2):

Ambry Genetics
Classification: Uncertain significance for Inborn genetic diseases. Last evaluated: 2023-03-29. Review status: criteria provided, single submitter. Criteria: Ambry Variant Classification Scheme 2023. Collection method: clinical testing. Allele origin: germline.

Labcorp Genetics (formerly Invitae), Labcorp
Classification: Uncertain significance. Last evaluated: 2022-04-28. Review status: criteria provided, single submitter. Criteria: Invitae Variant Classification Sherloc (09022015). Collection method: clinical testing. Allele origin: germline.
Comment: This sequence change replaces asparagine, which is neutral and polar, with serine, which is neutral and polar, at codon 235 of the TBCD protein (p.Asn235Ser). This variant is not present in population databases (gnomAD no frequency). This variant has not been reported in the literature in individuals affected with TBCD-related conditions. Algorithms developed to predict the effect of missense changes on protein structure and function (SIFT, PolyPhen-2, Align-GVGD) all suggest that this variant is likely to be tolerated. In summary, the available evidence is currently insufficient to determine the role of this variant in disease. Therefore, it has been classified as a Variant of Uncertain Significance.

NM_005993.5(TBCD):c.704A>G (p.Asn235Ser)

Gene: TBCD (tubulin folding cofactor D). Cytogenetic location: 17q25.3.
Variant type: single nucleotide variant.
Coding change: c.704A>G on transcript NM_005993.5 (MANE Select); coding-DNA position 704, A replaced by G.
Protein change: p.Asn235Ser; replaces asparagine 235 with serine.
Molecular consequence: missense variant.
Genome position (GRCh38, 1-based): chr17:82,781,654, A>G. VCF-style: chr17-82781654-A-G. GRCh37 (hg19) VCF-style: chr17-80739530-A-G.
Other names: c.653A>G, p.Asn218Ser (NM_001411101.1); c.704A>G, p.Asn235Ser (NM_001411102.1); c.704A>G (NM_005993.4); short protein forms N218S, N235S.
Identifiers: ClinVar variation 1962127 (VCV001962127.4), dbSNP rs2048956409, ClinGen allele CA401631671.